The following is an entry in ClinVar:

ClinVar aggregate classification (germline): Uncertain significance. Review status: criteria provided, multiple submitters, no conflicts (2 of 4 stars). 2 submissions from 2 submitters: Uncertain significance (2). Last evaluated 2023-05-19.

Conditions:
Hereditary cancer-predisposing syndrome. Also called: Hereditary neoplastic syndrome; Hereditary Cancer Syndrome; Neoplastic Syndromes, Hereditary; Tumor predisposition. Identifiers: Orphanet 140162, MedGen C0027672, MeSH D009386, MONDO:0015356.

Submissions (2):

Ambry Genetics
Classification: Uncertain significance for Hereditary cancer-predisposing syndrome. Last evaluated: 2023-05-19. Review status: criteria provided, single submitter. Criteria: Ambry Variant Classification Scheme 2023. Collection method: clinical testing. Allele origin: germline.
Comment: The p.S279N variant (also known as c.836G>A), located in coding exon 4 of the MSH6 gene, results from a G to A substitution at nucleotide position 836. The serine at codon 279 is replaced by asparagine, an amino acid with highly similar properties. This amino acid position is conserved. In addition, the in silico prediction for this alteration is inconclusive. Since supporting evidence is limited at this time, the clinical significance of this alteration remains unclear.

GeneDx
Classification: Uncertain significance. Last evaluated: 2016-03-18. Review status: criteria provided, single submitter. Criteria: GeneDx Variant Classification (06012015). Collection method: clinical testing. Allele origin: germline. Affected: yes.
Comment: This variant is denoted MSH6 c.836G>A at the cDNA level, p.Ser279Asn (S279N) at the protein level, and results in the change of a Serine to an Asparagine (AGC>AAC). This variant has not, to our knowledge, been published in the literature as pathogenic or benign. MSH6 Ser279Asn was not observed in approximately 6,500 individuals of European and African American ancestry in the NHLBI Exome Sequencing Project, suggesting it is not a common benign variant in these populations. Since Serine and Asparagine share similar properties, this is considered a conservative amino acid substitution. MSH6 Ser279Asn occurs at a position that is conserved across species and is not located in a known functional domain (Kariola 2002, Terui 2013). In silico analyses are inconsistent regarding the effect this variant may have on protein structure and function. Based on currently available evidence, it is unclear whether MSH6 Ser279Asn is a pathogenic or benign variant. We consider it to be a variant of uncertain significance.

NM_000179.3(MSH6):c.836G>A (p.Ser279Asn)

Gene: MSH6 (mutS homolog 6; plus strand). Cytogenetic location: 2p16.3.
Variant type: single nucleotide variant.
Coding change: c.836G>A on transcript NM_000179.3 (MANE Select); coding-DNA position 836, G replaced by A.
Protein change: p.Ser279Asn; replaces serine 279 with asparagine.
Molecular consequence: missense variant. On other transcripts: 5 prime UTR variant (2).
Genome position (GRCh38, 1-based): chr2:47,798,819, G>A. VCF-style: chr2-47798819-G-A. GRCh37 (hg19) VCF-style: chr2-48025958-G-A.
Other names: c.446G>A, p.Ser149Asn (NM_001281492.2); c.-71G>A (NM_001281493.2, NM_001281494.2); short protein forms S279N, S149N.
Identifiers: ClinVar variation 234915 (VCV000234915.4), dbSNP rs876661292, ClinGen allele CA10577260.